The following is an entry in ClinVar:

ClinVar aggregate classification (germline): Uncertain significance. Review status: criteria provided, multiple submitters, no conflicts (2 of 4 stars). 3 submissions from 3 submitters: Uncertain significance (2). 1 of the submissions does not count toward it. Last evaluated 2025-09-01.

Conditions:
Inborn genetic diseases. Identifiers: MedGen C0950123, MeSH D030342.
NAA15-related disorder.

Allele frequency attached by ClinVar (database versions not stated): gnomAD exomes below 0.00001.
gnomAD v4.1: 3 of 1,601,722 alleles (0.00019%); highest among the groups gnomAD compares: Non-Finnish European, 0.00017%; no homozygotes.

Submissions (3):

CeGaT Center for Human Genetics Tuebingen
Classification: Uncertain significance. Last evaluated: 2025-09-01. Review status: criteria provided, single submitter. Criteria: CeGaT Center For Human Genetics Tuebingen Variant Classification Criteria Version 2. Collection method: clinical testing. Allele origin: germline. Affected: yes. Observed: 1 variant allele.
Comment: NAA15: PP2

Ambry Genetics
Classification: Uncertain significance for Inborn genetic diseases. Last evaluated: 2022-07-19. Review status: criteria provided, single submitter. Criteria: Ambry Variant Classification Scheme 2023. Collection method: clinical testing. Allele origin: germline.

PreventionGenetics, part of Exact Sciences
Classification: Uncertain significance for NAA15-related condition. Last evaluated: 2024-05-22. Review status: no assertion criteria provided. Collection method: clinical testing. Allele origin: germline. Not counted in ClinVar's aggregate classification.
Comment: The NAA15 c.209G>A variant is predicted to result in the amino acid substitution p.Arg70His. To our knowledge, this variant has not been reported in the literature or in a large population database, indicating this variant is rare. At this time, the clinical significance of this variant is uncertain due to the absence of conclusive functional and genetic evidence.

NM_057175.5(NAA15):c.209G>A (p.Arg70His)

Gene: NAA15 (N-alpha-acetyltransferase 15, NatA auxiliary subunit; plus strand). Cytogenetic location: 4q31.1.
Variant type: single nucleotide variant.
Coding change: c.209G>A on transcript NM_057175.5 (MANE Select); coding-DNA position 209, G replaced by A.
Protein change: p.Arg70His; replaces arginine 70 with histidine.
Molecular consequence: missense variant.
Genome position (GRCh38, 1-based): chr4:139,336,917, G>A. VCF-style: chr4-139336917-G-A. GRCh37 (hg19) VCF-style: chr4-140258071-G-A.
Other names: c.209G>A, p.Arg70His (NM_001410842.1, NM_025085.2); short protein forms R70H.
Identifiers: ClinVar variation 2302259 (VCV002302259.10), dbSNP rs1747218484, ClinGen allele CA358258467.
Genomic context (GRCh38, chr4:139,336,917, plus strand): 5'-CTATGAAAGGATTAACATTGAACTGTTTGGGGAAAAAGGAAGAAGCTTATGAATTGGTTC[G>A]TAGAGGTTTGAGAAATGACTTGAAGAGTCATGTGTGTATCCTTTTTGAGATATATTTAAG-3'
Protein context (NP_476516.1, residues 60-80): GKKEEAYELV[Arg70His]RGLRNDLKSH